The following is an entry in ClinVar:

ClinVar aggregate classification (germline): Pathogenic (1 of 4 stars; one submission).

Conditions:
Hereditary breast ovarian cancer syndrome. Also called: Hereditary breast and ovarian cancer; Hereditary breast and/or ovarian cancer syndrome; BRCA1- and BRCA2-Associated Hereditary Breast and Ovarian Cancer; Hereditary breast and ovarian cancer syndrome; Hereditary breast and ovarian cancer syndrome (HBOC); Breast and ovarian cancer. Identifiers: Orphanet 145, MedGen C0677776, MeSH D061325, MONDO:0003582. Disease mechanism: loss of function.

Submission:

Labcorp Genetics (formerly Invitae), Labcorp
Classification: Pathogenic for Hereditary breast ovarian cancer syndrome. Last evaluated: 2022-10-05. Review status: criteria provided, single submitter. Criteria: Invitae Variant Classification Sherloc (09022015). Collection method: clinical testing. Allele origin: germline.
Comment: This variant has not been reported in the literature in individuals affected with BRCA2-related conditions. This variant is not present in population databases (gnomAD no frequency). This sequence change creates a premature translational stop signal (p.Val2171Cysfs*20) in the BRCA2 gene. It is expected to result in an absent or disrupted protein product. Loss-of-function variants in BRCA2 are known to be pathogenic (PMID: 20104584). ClinVar contains an entry for this variant (Variation ID: 1367167). For these reasons, this variant has been classified as Pathogenic.

Literature cited by the submitters: PubMed 20104584.

NM_000059.4(BRCA2):c.6510del (p.Val2171fs)

Gene: BRCA2 (BRCA2 DNA repair associated; plus strand). Cytogenetic location: 13q13.1.
Variant type: Deletion.
Coding change: c.6510del on transcript NM_000059.4 (MANE Select); coding-DNA position 6510, one base deleted (A; older notation c.6510delA).
Protein change: p.Val2171fs; shifts the reading frame from valine 2171.
Molecular consequence: frameshift variant.
Genome position (GRCh38, 1-based): chr13:32,340,865, A deleted; the last of 3 consecutive A bases (chr13:32,340,863-32,340,865); deleting any one gives the same sequence. VCF-style (leftmost placement, unchanged base first): chr13-32340862-CA-C. GRCh37 (hg19) VCF-style: chr13-32914999-CA-C.
Other names: short protein forms V2171fs.
Identifiers: ClinVar variation 1367167 (VCV001367167.6), dbSNP rs80359600, ClinGen allele CA2513636798.